The following is an entry in ClinVar:

ClinVar aggregate classification (germline): Conflicting classifications of pathogenicity. Review status: criteria provided, conflicting classifications (1 of 4 stars). 5 submissions from 5 submitters: Uncertain significance (1); Benign (1); Likely benign (3). Last evaluated 2026-01-01.

Conditions:
Cardiovascular phenotype. Identifiers: MedGen CN230736.
Osteogenesis imperfecta type I (OI1). Also called: Lobstein's Disease; Classic Non-deforming Osteogenesis Imperfecta with Blue Sclerae; Osteogenesis imperfecta type 1; OI, TYPE I; OSTEOGENESIS IMPERFECTA TARDA; OSTEOGENESIS IMPERFECTA WITH BLUE SCLERAE. Identifiers: Orphanet 216796, Orphanet 666, MedGen C0023931, MONDO:0008146, OMIM 166200. Disease mechanism: loss of function.

Allele frequency attached by ClinVar (database versions not stated): gnomAD 0.00003; gnomAD exomes 0.00005 and 0.00012; TOPMed 0.00006; ExAC 0.00007.

Submissions (5):

Labcorp Genetics (formerly Invitae), Labcorp
Classification: Uncertain significance for Osteogenesis imperfecta type I. Last evaluated: 2026-01-01. Review status: criteria provided, single submitter. Criteria: Invitae Variant Classification Sherloc (09022015). Collection method: clinical testing. Allele origin: germline.
Comment: This sequence change falls in intron 41 of the COL1A1 gene. It does not directly change the encoded amino acid sequence of the COL1A1 protein. It affects a nucleotide within the consensus splice site. This variant is present in population databases (rs41316695, gnomAD 0.05%), and has an allele count higher than expected for a pathogenic variant. This variant has not been reported in the literature in individuals affected with COL1A1-related conditions. ClinVar contains an entry for this variant (Variation ID: 456761). Variants that disrupt the consensus splice site are a relatively common cause of aberrant splicing (PMID: 17576681, 9536098). Algorithms developed to predict the effect of sequence changes on RNA splicing suggest that this variant is not likely to affect RNA splicing. In summary, the available evidence is currently insufficient to determine the role of this variant in disease. Therefore, it has been classified as a Variant of Uncertain Significance.

Blueprint Genetics
Classification: Likely benign. Last evaluated: 2024-08-13. Review status: criteria provided, single submitter. Criteria: ACMG Guidelines, 2015. Collection method: clinical testing. Allele origin: germline.

Women's Health and Genetics/Laboratory Corporation of America, LabCorp
Classification: Benign. Last evaluated: 2023-04-05. Review status: criteria provided, single submitter. Criteria: LabCorp Variant Classification Summary - May 2015. Collection method: clinical testing. Allele origin: germline.
Comment: Variant summary: COL1A1 c.3045+3G>A alters a non-conserved nucleotide located close to a canonical splice site and therefore could affect mRNA splicing, leading to a significantly altered protein sequence. 4/4 computational tools predict no significant impact on normal splicing. However, these predictions have yet to be confirmed by functional studies. The variant allele was found at a frequency of 0.00012 in 250400 control chromosomes (gnomAD). The observed variant frequency is approximately 4 fold of the estimated maximal expected allele frequency for a pathogenic variant in COL1A1 causing Osteogenesis Imperfecta phenotype (2.8e-05), strongly suggesting that the variant is benign. To our knowledge, no occurrence of c.3045+3G>A in individuals affected with Osteogenesis Imperfecta and no experimental evidence demonstrating its impact on protein function have been reported. Three clinical diagnostic laboratories have submitted clinical-significance assessments for this variant to ClinVar after 2014 and classified the variant as VUS (n=1) and likely benign (n=2). Based on the evidence outlined above, the variant was classified as benign.

Ambry Genetics
Classification: Likely benign for Cardiovascular phenotype. Last evaluated: 2020-09-22. Review status: criteria provided, single submitter. Criteria: Ambry Variant Classification Scheme 2023. Collection method: clinical testing. Allele origin: germline.

GeneDx
Classification: Likely benign. Last evaluated: 2019-08-27. Review status: criteria provided, single submitter. Criteria: GeneDx Variant Classification Process June 2021. Collection method: clinical testing. Allele origin: germline. Affected: yes.

Literature cited by the submitters: PubMed 17576681 (cited by Labcorp Genetics (formerly Invitae), Labcorp); PubMed 9536098 (cited by Labcorp Genetics (formerly Invitae), Labcorp).

NM_000088.4(COL1A1):c.3045+3G>A

Gene: COL1A1 (collagen type I alpha 1 chain; minus strand). Cytogenetic location: 17q21.33.
Variant type: single nucleotide variant.
Coding change: c.3045+3G>A on transcript NM_000088.4 (MANE Select); 3 bases into the intron after coding-DNA position 3045, G replaced by A.
Molecular consequence: intron variant.
Genome position (GRCh38, 1-based): chr17:50,188,900, C>T on the plus strand (G>A on the coding strand, the complement: COL1A1 is on the minus strand). VCF-style: chr17-50188900-C-T. GRCh37 (hg19) VCF-style: chr17-48266261-C-T.
Identifiers: ClinVar variation 456761 (VCV000456761.13), dbSNP rs41316695, ClinGen allele CA8644613.